The following is an entry in ClinVar:

ClinVar aggregate classification (germline): Uncertain significance (1 of 4 stars; one submission).

Conditions:
Familial hypobetalipoproteinemia 1. Also called: APOB-Related Familial Hypobetalipoproteinemia; Hypobetalipoproteinemia, normotriglyceridemic; Acanthocytosis with hypobetalipoproteinemia. Identifiers: MedGen C4551990, MONDO:0014252, OMIM 615558.
Hypercholesterolemia, autosomal dominant, type B (FHCL2). Also called: Familial Hypercholesterolemia Type B; APOLIPOPROTEIN B-100, FAMILIAL DEFECTIVE; APOLIPOPROTEIN B-100, FAMILIAL LIGAND-DEFECTIVE; HYPERCHOLESTEROLEMIA, FAMILIAL, DUE TO LIGAND-DEFECTIVE APOLIPOPROTEIN B; Hyperlipoproteinemia Type IIb; Familial hypercholesterolemia 2. Identifiers: MedGen C1704417, MONDO:0007751, OMIM 144010.

gnomAD v4.1: 2 of 1,613,212 alleles (0.00012%); highest among the groups gnomAD compares: East Asian, 0.0022%; no homozygotes.

Submission:

Labcorp Genetics (formerly Invitae), Labcorp
Classification: Uncertain significance for Familial hypobetalipoproteinemia 1; Hypercholesterolemia, autosomal dominant, type B. Last evaluated: 2025-10-08. Review status: criteria provided, single submitter. Criteria: Invitae Variant Classification Sherloc (09022015). Collection method: clinical testing. Allele origin: germline.
Comment: This sequence change replaces alanine, which is neutral and non-polar, with serine, which is neutral and polar, at codon 448 of the APOB protein (p.Ala448Ser). This variant is not present in population databases (gnomAD no frequency). This variant has not been reported in the literature in individuals affected with APOB-related conditions. ClinVar contains an entry for this variant (Variation ID: 3748677). Invitae Evidence Modeling of protein sequence and biophysical properties (such as structural, functional, and spatial information, amino acid conservation, physicochemical variation, residue mobility, and thermodynamic stability) indicates that this missense variant is not expected to disrupt APOB protein function with a negative predictive value of 95%. In summary, the available evidence is currently insufficient to determine the role of this variant in disease. Therefore, it has been classified as a Variant of Uncertain Significance.

NM_000384.3(APOB):c.1342G>T (p.Ala448Ser)

Gene: APOB (apolipoprotein B; minus strand). Cytogenetic location: 2p24.1.
Variant type: single nucleotide variant.
Coding change: c.1342G>T on transcript NM_000384.3 (MANE Select); coding-DNA position 1342, G replaced by T.
Protein change: p.Ala448Ser; replaces alanine 448 with serine.
Molecular consequence: missense variant.
Genome position (GRCh38, 1-based): chr2:21,032,364, C>A on the plus strand (G>T on the coding strand, the complement: APOB is on the minus strand). VCF-style: chr2-21032364-C-A. GRCh37 (hg19) VCF-style: chr2-21255236-C-A.
Other names: short protein forms A448S.
Identifiers: ClinVar variation 3748677 (VCV003748677.2).